The following is an entry in ClinVar:

NM_015910.7(WDPCP):c.1206A>T (p.Gln402His)

Gene: WDPCP (WD repeat containing planar cell polarity effector; minus strand). Cytogenetic location: 2p15.
Variant type: single nucleotide variant.
Coding change: c.1206A>T on transcript NM_015910.7 (MANE Select); coding-DNA position 1206, A replaced by T.
Protein change: p.Gln402His; replaces glutamine 402 with histidine.
Molecular consequence: missense variant. On other transcripts: non-coding transcript variant (3).
Genome position (GRCh38, 1-based): chr2:63,404,277, T>A on the plus strand (A>T on the coding strand, the complement: WDPCP is on the minus strand). VCF-style: chr2-63404277-T-A. GRCh37 (hg19) VCF-style: chr2-63631412-T-A.
Other names: c.729A>T, p.Gln243His (NM_001042692.3); c.1134A>T, p.Gln378His (NM_001354044.2); c.1206A>T, p.Gln402His (NM_001354045.2); short protein forms Q378H, Q402H, Q243H.
Identifiers: ClinVar variation 968669 (VCV000968669.7), dbSNP rs1441739882, ClinGen allele CA347064915.

ClinVar aggregate classification (germline): Uncertain significance. Review status: criteria provided, multiple submitters, no conflicts (2 of 4 stars). 2 submissions from 2 submitters: Uncertain significance (2). Last evaluated 2022-04-13.

Conditions:
Bardet-Biedl syndrome (BBS). Identifiers: Orphanet 110, MedGen C0752166, MONDO:0015229.
Inborn genetic diseases. Identifiers: MedGen C0950123, MeSH D030342.

Allele frequency attached by ClinVar (database versions not stated): gnomAD exomes below 0.00001; TOPMed below 0.00001; gnomAD 0.00001.
gnomAD v4.1: 1 of 1,613,868 alleles (0.000062%); highest among the groups gnomAD compares: African/African-American, 0.0013%; no homozygotes.

Submissions (2):

Ambry Genetics
Classification: Uncertain significance for Inborn genetic diseases. Last evaluated: 2022-04-13. Review status: criteria provided, single submitter. Criteria: Ambry Variant Classification Scheme 2023. Collection method: clinical testing. Allele origin: germline.

Labcorp Genetics (formerly Invitae), Labcorp
Classification: Uncertain significance for Bardet-Biedl syndrome. Last evaluated: 2021-08-31. Review status: criteria provided, single submitter. Criteria: Invitae Variant Classification Sherloc (09022015). Collection method: clinical testing. Allele origin: germline.
Comment: This sequence change replaces glutamine with histidine at codon 402 of the WDPCP protein (p.Gln402His). The glutamine residue is highly conserved and there is a small physicochemical difference between glutamine and histidine. This variant is not present in population databases (ExAC no frequency). This variant has not been reported in the literature in individuals affected with WDPCP-related conditions. Algorithms developed to predict the effect of missense changes on protein structure and function are either unavailable or do not agree on the potential impact of this missense change (SIFT: "Deleterious"; PolyPhen-2: "Probably Damaging"; Align-GVGD: "Class C0"). In summary, the available evidence is currently insufficient to determine the role of this variant in disease. Therefore, it has been classified as a Variant of Uncertain Significance.